The following is an entry in ClinVar:

NM_001130009.3(GEN1):c.589G>T (p.Ala197Ser)

Gene: GEN1 (GEN1 structure-specific endonuclease; plus strand). Cytogenetic location: 2p24.2.
Variant type: single nucleotide variant.
Coding change: c.589G>T on transcript NM_001130009.3 (MANE Select); coding-DNA position 589, G replaced by T.
Protein change: p.Ala197Ser; replaces alanine 197 with serine.
Molecular consequence: missense variant.
Genome position (GRCh38, 1-based): chr2:17,766,642, G>T. VCF-style: chr2-17766642-G-T. GRCh37 (hg19) VCF-style: chr2-17947909-G-T.
Other names: c.589G>T, p.Ala197Ser (NM_182625.5); short protein forms A197S.
Identifiers: ClinVar variation 4842206 (VCV004842206.1).

ClinVar aggregate classification (germline): Uncertain significance (1 of 4 stars; one submission).

Submission:

Ambry Genetics
Classification: Uncertain significance. Last evaluated: 2026-01-03. Review status: criteria provided, single submitter. Criteria: Ambry Variant Classification Scheme 2023. Collection method: clinical testing. Allele origin: germline.
Comment: The p.A197S variant (also known as c.589G>T), located in coding exon 4 of the GEN1 gene, results from a G to T substitution at nucleotide position 589. The alanine at codon 197 is replaced by serine, an amino acid with similar properties. This amino acid position is conserved. In addition, this alteration is predicted to be tolerated by in silico analysis. Based on the available evidence, the clinical significance of this variant remains unclear.